The following is an entry in ClinVar:

NM_001355436.2(SPTB):c.4129_4151del (p.Ala1377fs)

Gene: SPTB (spectrin beta, erythrocytic; minus strand). Cytogenetic location: 14q23.3.
Variant type: Deletion.
Coding change: c.4129_4151del on transcript NM_001355436.2 (MANE Select); coding-DNA positions 4129 to 4151, 23 bases deleted (GCTGCCAGGAGCTCCGACCTGCG).
Protein change: p.Ala1377fs; shifts the reading frame from alanine 1377.
Molecular consequence: frameshift variant.
Genome position (GRCh38, 1-based): chr14:64,782,405-64,782,427, CGCAGGTCGGAGCTCCTGGCAGC deleted on the plus strand (GCTGCCAGGAGCTCCGACCTGCG on the coding strand, the reverse complement: SPTB is on the minus strand); deleting any 23 consecutive bases within chr14:64,782,405-64,782,429 gives the same sequence; the c. name uses the placement nearest the transcript's 3' end. VCF-style (leftmost placement, unchanged base first): chr14-64782404-GCGCAGGTCGGAGCTCCTGGCAGC-G. GRCh37 (hg19) VCF-style: chr14-65249122-GCGCAGGTCGGAGCTCCTGGCAGC-G.
Other names: c.4129_4151del, p.Ala1377fs (NM_001355437.2, NM_001024858.4); short protein forms A1377fs.
Identifiers: ClinVar variation 3723762 (VCV003723762.2).

ClinVar aggregate classification (germline): Pathogenic (1 of 4 stars; one submission).

Submission:

Labcorp Genetics (formerly Invitae), Labcorp
Classification: Pathogenic. Last evaluated: 2024-10-24. Review status: criteria provided, single submitter. Criteria: Invitae Variant Classification Sherloc (09022015). Collection method: clinical testing. Allele origin: germline.
Comment: This sequence change creates a premature translational stop signal (p.Ala1377Leufs*6) in the SPTB gene. It is expected to result in an absent or disrupted protein product. Loss-of-function variants in SPTB are known to be pathogenic (PMID: 1391962, 1498324, 8844207, 26830532, 27292444). This variant is not present in population databases (gnomAD no frequency). This variant has not been reported in the literature in individuals affected with SPTB-related conditions. For these reasons, this variant has been classified as Pathogenic.

Literature cited by the submitters: PubMed 1391962; PubMed 1498324; PubMed 8844207; PubMed 26830532; PubMed 27292444.